The following is an entry in ClinVar:

NM_005026.5(PIK3CD):c.2427-7T>G

Gene: PIK3CD (phosphatidylinositol-4,5-bisphosphate 3-kinase catalytic subunit delta; plus strand). Cytogenetic location: 1p36.22.
Variant type: single nucleotide variant.
Coding change: c.2427-7T>G on transcript NM_005026.5 (MANE Select); 7 bases into the intron before coding-DNA position 2427, T replaced by G.
Molecular consequence: intron variant.
Genome position (GRCh38, 1-based): chr1:9,723,118, T>G. VCF-style: chr1-9723118-T-G. GRCh37 (hg19) VCF-style: chr1-9783176-T-G.
Other names: c.2424-7T>G (NM_001350234.2); c.2340-7T>G (NM_001350235.1).
Identifiers: ClinVar variation 753167 (VCV000753167.14), dbSNP rs369339827, ClinGen allele CA577550.

ClinVar aggregate classification (germline): Benign/Likely benign. Review status: criteria provided, multiple submitters, no conflicts (2 of 4 stars). 3 submissions from 3 submitters: Benign (1); Likely benign (1). 1 of the submissions does not count toward it. Last evaluated 2025-12-23.

Conditions:
Immunodeficiency 14 (IMD14A). Also called: p110-DELTA-ACTIVATING MUTATION CAUSING SENESCENT T CELLS, LYMPHADENOPATHY, AND IMMUNODEFICIENCY; Activated PI3K Delta Syndrome Type 1 (APDS1); ACTIVATED PI3K-DELTA SYNDROME 1; IMMUNODEFICIENCY 14A WITH LYMPHOPROLIFERATION, AUTOSOMAL DOMINANT. Identifiers: Orphanet 397596, Orphanet 693661, MedGen C5907821, MONDO:0014222, OMIM 615513.
PIK3CD-related disorder. Also called: PIK3CD-related condition.

Allele frequency attached by ClinVar (database versions not stated): ExAC 0.00005; gnomAD exomes 0.00006 and 0.00003; gnomAD 0.00035 and 0.00038; ESP Exome Variant Server 0.00038; TOPMed 0.00029.
gnomAD v4.1: 92 of 1,613,216 alleles (0.0057%); highest among the groups gnomAD compares: African/African-American, 0.11%; no homozygotes.

Submissions (3):

Labcorp Genetics (formerly Invitae), Labcorp
Classification: Benign for Activated PI3K-delta syndrome. Last evaluated: 2025-12-23. Review status: criteria provided, single submitter. Criteria: Invitae Variant Classification Sherloc (09022015). Collection method: clinical testing. Allele origin: germline.

Blueprint Genetics
Classification: Likely benign. Last evaluated: 2024-01-22. Review status: criteria provided, single submitter. Criteria: ACMG Guidelines, 2015. Collection method: clinical testing. Allele origin: germline.

PreventionGenetics, part of Exact Sciences
Classification: Likely benign for PIK3CD-related condition. Last evaluated: 2023-10-11. Review status: no assertion criteria provided. Collection method: clinical testing. Allele origin: germline. Not counted in ClinVar's aggregate classification.
Comment: This variant is classified as likely benign based on ACMG/AMP sequence variant interpretation guidelines (Richards et al. 2015 PMID: 25741868, with internal and published modifications).